The following is an entry in ClinVar:

ClinVar aggregate classification (germline): Uncertain significance (1 of 4 stars; one submission).

Submission:

GeneDx
Classification: Uncertain significance. Last evaluated: 2021-06-18. Review status: criteria provided, single submitter. Criteria: GeneDx Variant Classification Process June 2021. Collection method: clinical testing. Allele origin: germline. Affected: yes.
Comment: Not observed at significant frequency in large population cohorts (Lek et al., 2016); Missense variants in this gene are often considered pathogenic (Stenson et al., 2014); In silico analysis supports that this missense variant does not alter protein structure/function; Has not been previously published as pathogenic or benign to our knowledge; This variant is associated with the following publications: (PMID: 27535533)

NM_005633.4(SOS1):c.2680C>T (p.Pro894Ser)

Gene: SOS1 (SOS Ras/Rac guanine nucleotide exchange factor 1; minus strand). Cytogenetic location: 2p22.1.
Variant type: single nucleotide variant.
Coding change: c.2680C>T on transcript NM_005633.4 (MANE Select); coding-DNA position 2680, C replaced by T.
Protein change: p.Pro894Ser; replaces proline 894 with serine.
Molecular consequence: missense variant.
Genome position (GRCh38, 1-based): chr2:39,006,523, G>A on the plus strand (C>T on the coding strand, the complement: SOS1 is on the minus strand). VCF-style: chr2-39006523-G-A. GRCh37 (hg19) VCF-style: chr2-39233664-G-A.
Other names: c.2659C>T, p.Pro887Ser (NM_001382394.1); c.2680C>T, p.Pro894Ser (NM_001382395.1); short protein forms P887S, P894S.
Identifiers: ClinVar variation 1313072 (VCV001313072.2), dbSNP rs2124501972, ClinGen allele CA346363276.